The following is an entry in ClinVar:

NM_005876.5(SPEG):c.5569C>G (p.Gln1857Glu)

Genes: ASIC4-AS1 (ASIC4 antisense RNA 1; minus strand), SPEG (striated muscle enriched protein kinase; plus strand). Cytogenetic location: 2q35.
Variant type: single nucleotide variant.
Coding change: c.5569C>G on transcript NM_005876.5 (MANE Select); coding-DNA position 5569, C replaced by G.
Protein change: p.Gln1857Glu; replaces glutamine 1857 with glutamic acid.
Molecular consequence: missense variant.
Genome position (GRCh38, 1-based): chr2:219,482,787, C>G. VCF-style: chr2-219482787-C-G. GRCh37 (hg19) VCF-style: chr2-220347509-C-G.
Other names: short protein forms Q1857E.
Identifiers: ClinVar variation 2112255 (VCV002112255.4), dbSNP rs373797506, ClinGen allele CA2126884.

ClinVar aggregate classification (germline): Uncertain significance (1 of 4 stars; one submission).

Allele frequency attached by ClinVar (database versions not stated): ExAC 0.00001; gnomAD 0.00001; TOPMed 0.00001; ESP Exome Variant Server 0.00008.
gnomAD v4.1: 4 of 1,613,634 alleles (0.00025%); highest among the groups gnomAD compares: African/African-American, 0.0013%; no homozygotes.

Submission:

Labcorp Genetics (formerly Invitae), Labcorp
Classification: Uncertain significance. Last evaluated: 2022-09-01. Review status: criteria provided, single submitter. Criteria: Invitae Variant Classification Sherloc (09022015). Collection method: clinical testing. Allele origin: germline.
Comment: In summary, the available evidence is currently insufficient to determine the role of this variant in disease. Therefore, it has been classified as a Variant of Uncertain Significance. Algorithms developed to predict the effect of missense changes on protein structure and function output the following: SIFT: "Tolerated"; PolyPhen-2: "Benign"; Align-GVGD: "Class C0". The glutamic acid amino acid residue is found in multiple mammalian species, which suggests that this missense change does not adversely affect protein function. This variant has not been reported in the literature in individuals affected with SPEG-related conditions. This variant is present in population databases (rs373797506, gnomAD 0.007%). This sequence change replaces glutamine, which is neutral and polar, with glutamic acid, which is acidic and polar, at codon 1857 of the SPEG protein (p.Gln1857Glu).